The following is an entry in ClinVar:

ClinVar aggregate classification (germline): Pathogenic (1 of 4 stars; one submission).

Conditions:
Hereditary breast ovarian cancer syndrome. Also called: Hereditary breast and ovarian cancer; Hereditary breast and ovarian cancer syndrome; Hereditary breast and ovarian cancer syndrome (HBOC); Breast and ovarian cancer; Hereditary breast and/or ovarian cancer syndrome; BRCA1- and BRCA2-Associated Hereditary Breast and Ovarian Cancer. Identifiers: Orphanet 145, MedGen C0677776, MeSH D061325, MONDO:0003582. Disease mechanism: loss of function.

Submission:

Women's Health and Genetics/Laboratory Corporation of America, LabCorp
Classification: Pathogenic for Hereditary breast ovarian cancer syndrome. Last evaluated: 2023-09-07. Review status: criteria provided, single submitter. Criteria: LabCorp Variant Classification Summary - May 2015. Collection method: clinical testing. Allele origin: germline.
Comment: Variant summary: The variant identified by MLPA or other technology involves the deletion of exon 8 , the penultimate exon of the RAD51C gene. A presumed nomenclature of c.(965+1_966-1)_(1026+1_1027-1)del has been designated for the purposes of this classification. Although exact breakpoints of this deletion are not known, it is expected to result a frameshift and premature truncation in the last exon in the RAD51C gene, but is not predicted to undergo nonsense mediated decay. The variant was absent in 21544 control chromosomes (gnomAD, structural variant dataset). c.(965+1_966-1)_(1026+1_1027-1)del has been reported in the literature in individuals affected with Hereditary Breast And Ovarian Cancer Syndrome (e.g. Slavin_2017, Lilyquist_2017, Yang_2020). These data indicate that the variant is likely associated with disease. To our knowledge, no experimental evidence demonstrating an impact on protein function has been reported. However, a splice variant that has been shown to result in the skipping of exon 8 (c.1026+5_1026+7delGTA) has also been observed in multiple individuals with HBOC and has been classified as pathogenic by our laboratory, suggesting that the last two exons of RAD51C are important for protein function. The following publications have been ascertained in the context of this evaluation (PMID: 28649662, 32107557, 28888541). Two submitters have cited clinical-significance assessments for this variant to ClinVar after 2014 and both submitters classified the variant as pathogenic/likely pathogenic. Based on the evidence outlined above, the variant was classified as pathogenic.

Literature cited by the submitters: PubMed 28649662; PubMed 28888541; PubMed 32107557.

NC_000017.10:g.(56801462_56809844)_(56809906_56811478)del

Gene: RAD51C (RAD51 paralog C; plus strand). Cytogenetic location: 17q22.
Variant type: Deletion.
Identifiers: ClinVar variation 2627156 (VCV002627156.1).